The following is an entry in ClinVar:

ClinVar aggregate classification (germline): Uncertain significance (1 of 4 stars; one submission).

Conditions:
ALG6-congenital disorder of glycosylation 1C (CDG1C). Also called: CARBOHYDRATE-DEFICIENT GLYCOPROTEIN SYNDROME, TYPE I, WITH DEFICIENT GLYCOSYLATION OF DOLICHOL-LINKED OLIGOSACCHARIDE; CARBOHYDRATE-DEFICIENT GLYCOPROTEIN SYNDROME, TYPE V; Congenital disorder of glycosylation type 1C; Congenital disorder of glycosylation, type Ic; CDG Ic. Identifiers: Orphanet 79320, MedGen C2930997, MONDO:0011291, OMIM 603147.

Submission:

Labcorp Genetics (formerly Invitae), Labcorp
Classification: Uncertain significance for ALG6-congenital disorder of glycosylation 1C. Last evaluated: 2022-08-01. Review status: criteria provided, single submitter. Criteria: Invitae Variant Classification Sherloc (09022015). Collection method: clinical testing. Allele origin: germline.
Comment: In summary, the available evidence is currently insufficient to determine the role of this variant in disease. Therefore, it has been classified as a Variant of Uncertain Significance. Algorithms developed to predict the effect of sequence changes on RNA splicing suggest that this variant may create or strengthen a splice site. This variant has not been reported in the literature in individuals affected with ALG6-related conditions. This variant is not present in population databases (gnomAD no frequency). This sequence change falls in intron 5 of the ALG6 gene. It does not directly change the encoded amino acid sequence of the ALG6 protein.

NM_013339.4(ALG6):c.346+19G>A

Gene: ALG6 (ALG6 alpha-1,3-glucosyltransferase; plus strand). Cytogenetic location: 1p31.3.
Variant type: single nucleotide variant.
Coding change: c.346+19G>A on transcript NM_013339.4 (MANE Select); 19 bases into the intron after coding-DNA position 346, G replaced by A.
Molecular consequence: intron variant.
Genome position (GRCh38, 1-based): chr1:63,404,560, G>A. VCF-style: chr1-63404560-G-A. GRCh37 (hg19) VCF-style: chr1-63870231-G-A.
Identifiers: ClinVar variation 2176601 (VCV002176601.4), dbSNP rs2523729988, ClinGen allele CA2580063180.